The following is an entry in ClinVar:

NM_005859.5(PURA):c.127_141dup (p.Ser43_Gly47dup)

Gene: PURA (purine rich element binding protein A; plus strand). Cytogenetic location: 5q31.3.
Variant type: Duplication.
Coding change: c.127_141dup on transcript NM_005859.5 (MANE Select); coding-DNA positions 127 to 141, 15 bases duplicated (AGTGGCGGCGGCGGC).
Protein change: p.Ser43_Gly47dup.
Molecular consequence: inframe insertion.
Genome position (GRCh38, 1-based): chr5:140,114,308-140,114,322, AGTGGCGGCGGCGGC duplicated; duplicating any 15 consecutive bases within chr5:140,114,296-140,114,322 gives the same sequence; the c. name uses the placement nearest the transcript's 3' end. VCF-style (leftmost placement, unchanged base first): chr5-140114295-G-GGGCGGCGGCGGCAGT. GRCh37 (hg19) VCF-style: chr5-139493880-G-GGGCGGCGGCGGCAGT.
Identifiers: ClinVar variation 840247 (VCV000840247.23), dbSNP rs1412581529, ClinGen allele CA563504662.

ClinVar aggregate classification (germline): Likely benign. Review status: criteria provided, multiple submitters, no conflicts (2 of 4 stars). 2 submissions from 2 submitters: Likely benign (2). Last evaluated 2025-03-26.

Conditions:
PURA-related severe neonatal hypotonia-seizures-encephalopathy syndrome (NEDRIHF). Also called: NEURODEVELOPMENTAL DISORDER WITH NEONATAL RESPIRATORY INSUFFICIENCY, HYPOTONIA, AND FEEDING DIFFICULTIES; PURA-Related Neurodevelopmental Disorders. Identifiers: Orphanet 438213, Orphanet 438216, MedGen C4015357, MONDO:1060108, OMIM 616158, MONDO:0018580.

Submissions (2):

Labcorp Genetics (formerly Invitae), Labcorp
Classification: Likely benign for PURA-related severe neonatal hypotonia-seizures-encephalopathy syndrome. Last evaluated: 2025-03-26. Review status: criteria provided, single submitter. Criteria: Invitae Variant Classification Sherloc (09022015). Collection method: clinical testing. Allele origin: germline.

CeGaT Center for Human Genetics Tuebingen
Classification: Likely benign. Last evaluated: 2024-12-01. Review status: criteria provided, single submitter. Criteria: CeGaT Center For Human Genetics Tuebingen Variant Classification Criteria Version 2. Collection method: clinical testing. Allele origin: germline. Affected: yes. Observed: 1 variant allele.
Comment: PURA: BS2